The following is an entry in ClinVar:

NM_002519.3(NPAT):c.2163T>A (p.Asp721Glu)

Gene: NPAT (nuclear protein, coactivator of histone transcription; minus strand). Cytogenetic location: 11q22.3.
Variant type: single nucleotide variant.
Coding change: c.2163T>A on transcript NM_002519.3 (MANE Select); coding-DNA position 2163, T replaced by A.
Protein change: p.Asp721Glu; replaces aspartic acid 721 with glutamic acid.
Molecular consequence: missense variant.
Genome position (GRCh38, 1-based): chr11:108,172,821, A>T on the plus strand (T>A on the coding strand, the complement: NPAT is on the minus strand). VCF-style: chr11-108172821-A-T. GRCh37 (hg19) VCF-style: chr11-108043548-A-T.
Other names: c.2163T>A, p.Asp721Glu (NM_001321307.1); short protein forms D721E.
Identifiers: ClinVar variation 2453792 (VCV002453792.2), dbSNP rs2496718418, ClinGen allele CA382513556.

ClinVar aggregate classification (germline): Uncertain significance (1 of 4 stars; one submission).

Submission:

Ambry Genetics
Classification: Uncertain significance. Last evaluated: 2023-02-09. Review status: criteria provided, single submitter. Criteria: Ambry Variant Classification Scheme 2023. Collection method: clinical testing. Allele origin: germline.
Comment: The p.D721E variant (also known as c.2163T>A), located in coding exon 13 of the NPAT gene, results from a T to A substitution at nucleotide position 2163. The aspartic acid at codon 721 is replaced by glutamic acid, an amino acid with highly similar properties. This amino acid position is conserved. In addition, this alteration is predicted to be tolerated by in silico analysis. Since supporting evidence is limited at this time, the clinical significance of this alteration remains unclear.